The following is an entry in ClinVar:

NM_015506.3(MMACHC):c.467G>A (p.Gly156Asp)

Gene: MMACHC (metabolism of cobalamin associated C; plus strand). Cytogenetic location: 1p34.1.
Variant type: single nucleotide variant.
Coding change: c.467G>A on transcript NM_015506.3 (MANE Select); coding-DNA position 467, G replaced by A.
Protein change: p.Gly156Asp; replaces glycine 156 with aspartic acid.
Molecular consequence: missense variant.
Genome position (GRCh38, 1-based): chr1:45,508,833, G>A. VCF-style: chr1-45508833-G-A. GRCh37 (hg19) VCF-style: chr1-45974505-G-A.
Other names: c.296G>A, p.Gly99Asp (NM_001330540.2); short protein forms G156D, G99D.
Identifiers: ClinVar variation 554696 (VCV000554696.14), dbSNP rs1553162910, ClinGen allele CA340133108.

ClinVar aggregate classification (germline): Pathogenic. Review status: criteria provided, multiple submitters, no conflicts (2 of 4 stars). 3 submissions from 3 submitters: Pathogenic (2). 1 of the submissions does not count toward it. Last evaluated 2025-12-23.

Conditions:
Cobalamin C disease. Also called: Methylmalonic aciduria and homocystinuria, Vitamin B12-responsive; Vitamin B12 metabolic defect with combined deficiency of methylmalonyl-CoA mutase and homocysteine:methyltetrahydrofolate methyltransferase; methylmalonic aciduria and homocystinuria type cblC; Methylmalonic aciduria with homocystinuria cblC type; Cobalamin-C methylmalonic acidemia and homocystinuria; Methylmalonic acidemia and homocystinuria cblC type. Identifiers: Orphanet 26, Orphanet 79282, MedGen C1848561, MONDO:0010184, OMIM 277400.

Allele frequency attached by ClinVar (database versions not stated): gnomAD exomes below 0.00001; TOPMed below 0.00001.
gnomAD v4.1: 2 of 1,614,150 alleles (0.00012%); highest among the groups gnomAD compares: Admixed American, 0.0033%; no homozygotes.

Submissions (3):

Natera, Inc.
Classification: Pathogenic for Methylmalonic aciduria and homocystinuria cblC type. Last evaluated: 2025-12-23. Review status: criteria provided, single submitter. Criteria: Natera Variant Classification Schema (03/2026). Collection method: clinical testing. Allele origin: germline.
Comment: The c.467G>A variant in MMACHC is a missense variant predicted to cause substitution of glycine to aspartic acid at amino acid 156. This variant is rare in the general population with a frequency below the threshold expected for the associated phenotype(s). This variant has been observed in one or more individuals affected with the associated recessive disease, as either homozygous or compound heterozygous with a second variant (PMID: 16311595, 31092259, 35361390, 36056359). Additionally, this variant has been observed to segregate in affected family members (PMID: 35361390). Computational prediction algorithms indicate this variant is likely to affect gene or protein function. Given the available evidence, this variant is classified as Pathogenic.

Labcorp Genetics (formerly Invitae), Labcorp
Classification: Pathogenic for Cobalamin C disease. Last evaluated: 2024-09-23. Review status: criteria provided, single submitter. Criteria: Invitae Variant Classification Sherloc (09022015). Collection method: clinical testing. Allele origin: germline.
Comment: This sequence change replaces glycine, which is neutral and non-polar, with aspartic acid, which is acidic and polar, at codon 156 of the MMACHC protein (p.Gly156Asp). This variant is not present in population databases (gnomAD no frequency). This missense change has been observed in individual(s) with cobalamin C deficiency (PMID: 16311595, 30157807, 31092259, 32943488). ClinVar contains an entry for this variant (Variation ID: 554696). Invitae Evidence Modeling of protein sequence and biophysical properties (such as structural, functional, and spatial information, amino acid conservation, physicochemical variation, residue mobility, and thermodynamic stability) has been performed for this missense variant. However, the output from this modeling did not meet the statistical confidence thresholds required to predict the impact of this variant on MMACHC protein function. For these reasons, this variant has been classified as Pathogenic.

Counsyl
Classification: Uncertain significance for Cobalamin C disease. Last evaluated: 2017-11-07. Review status: no assertion criteria provided. Collection method: clinical testing. Allele origin: unknown. Not counted in ClinVar's aggregate classification.

Literature cited by the submitters: PubMed 16311595 (cited by 3 submitters); PubMed 31092259 (cited by Natera, Inc. and Labcorp Genetics (formerly Invitae), Labcorp); PubMed 35361390 (cited by Natera, Inc.); PubMed 36056359 (cited by Natera, Inc.); PubMed 30157807 (cited by Labcorp Genetics (formerly Invitae), Labcorp); PubMed 32943488 (cited by Labcorp Genetics (formerly Invitae), Labcorp).